The following is an entry in ClinVar:

ClinVar aggregate classification (germline): Uncertain significance (1 of 4 stars; one submission).

Conditions:
Neurodevelopmental delay. Identifiers: MedGen C4022738, HP:0012758.
Skin vesicle. Identifiers: MedGen C3814530, HP:0200037.
Hyperpigmentation of the skin. Also called: Hyperpigmentation. Identifiers: Orphanet 79375, MedGen C0162834, MONDO:0019289, HP:0000953.

Allele frequency attached by ClinVar (database versions not stated): gnomAD 0.00001.
gnomAD v4.1: 5 of 1,613,254 alleles (0.00031%); highest among the groups gnomAD compares: African/African-American, 0.004%; no homozygotes.

Submission:

Laboratorio de Genetica e Diagnostico Molecular, Hospital Israelita Albert Einstein
Classification: Uncertain significance for Skin vesicle; Hyperpigmentation of the skin; Neurodevelopmental delay. Last evaluated: 2021-06-30. Review status: criteria provided, single submitter. Criteria: ACMG Guidelines, 2015. Collection method: clinical testing. Allele origin: germline. Affected: yes.
Comment: ACMG classification criteria: PM2 moderate

NM_000243.3(MEFV):c.1724C>G (p.Ser575Ter)

Genes: MEFV (MEFV innate immunity regulator, pyrin; minus strand), LOC126862264 (CDK7 strongly-dependent group 2 enhancer GRCh37_chr16:3293322-3294521; plus strand). Cytogenetic location: 16p13.3.
Variant type: single nucleotide variant.
Coding change: c.1724C>G on transcript NM_000243.3 (MANE Select); coding-DNA position 1724, C replaced by G.
Protein change: p.Ser575Ter; replaces serine 575 with a stop codon.
Molecular consequence: nonsense.
Genome position (GRCh38, 1-based): chr16:3,244,475, G>C on the plus strand (C>G on the coding strand, the complement: MEFV is on the minus strand). VCF-style: chr16-3244475-G-C. GRCh37 (hg19) VCF-style: chr16-3294475-G-C.
Other names: c.1091C>G, p.Ser364Ter (NM_001198536.2); short protein forms S364*, S575*.
Identifiers: ClinVar variation 1683772 (VCV001683772.2), dbSNP rs1958909529, ClinGen allele CA394457726.